The following is an entry in ClinVar:

NM_016203.4(PRKAG2):c.114+2T>G

Gene: PRKAG2 (protein kinase AMP-activated non-catalytic subunit gamma 2; minus strand). Cytogenetic location: 7q36.1.
Variant type: single nucleotide variant.
Coding change: c.114+2T>G on transcript NM_016203.4 (MANE Select); the canonical splice donor site of the intron after coding-DNA position 114, T replaced by G.
Molecular consequence: splice donor variant.
Genome position (GRCh38, 1-based): chr7:151,876,505, A>C on the plus strand (T>G on the coding strand, the complement: PRKAG2 is on the minus strand). VCF-style: chr7-151876505-A-C. GRCh37 (hg19) VCF-style: chr7-151573590-A-C.
Other names: c.114+2T>G (NM_001407031.1, NM_001407030.1, NM_001407023.1 and 2 more transcripts).
Identifiers: ClinVar variation 1730948 (VCV001730948.2), dbSNP rs2485879243, ClinGen allele CA370071832.

ClinVar aggregate classification (germline): Uncertain significance (1 of 4 stars; one submission).

Conditions:
Cardiovascular phenotype. Identifiers: MedGen CN230736.

Submission:

Ambry Genetics
Classification: Uncertain significance for Cardiovascular phenotype. Last evaluated: 2022-09-27. Review status: criteria provided, single submitter. Criteria: Ambry Variant Classification Scheme 2023. Collection method: clinical testing. Allele origin: germline.
Comment: The c.114+2T>G intronic variant results from a T to G substitution two nucleotides after coding exon 1 in the PRKAG2 gene. In silico splice site analysis predicts that this alteration will weaken the native splice donor site. Alterations that disrupt the canonical splice site are expected to cause aberrant splicing, resulting in an abnormal protein or a transcript that is subject to nonsense-mediated mRNA decay. However, loss of function of PRKAG2 has not been established as a mechanism of disease. Since supporting evidence is limited at this time, the clinical significance of this alteration remains unclear.